The following is an entry in ClinVar:

NM_173602.3(DIP2B):c.4310A>G (p.Tyr1437Cys)

Gene: DIP2B (DIP2 acetate--CoA ligase B (putative); plus strand). Cytogenetic location: 12q13.12.
Variant type: single nucleotide variant.
Coding change: c.4310A>G on transcript NM_173602.3 (MANE Select); coding-DNA position 4310, A replaced by G.
Protein change: p.Tyr1437Cys; replaces tyrosine 1437 with cysteine.
Molecular consequence: missense variant.
Genome position (GRCh38, 1-based): chr12:50,739,542, A>G. VCF-style: chr12-50739542-A-G. GRCh37 (hg19) VCF-style: chr12-51133325-A-G.
Other names: short protein forms Y1437C.
Identifiers: ClinVar variation 4882837 (VCV004882837.2).
Genomic context (GRCh38, chr12:50,739,542, plus strand): 5'-ATTTCAACACTCGCCTCAGCTTTGGAGATGCAGCTCAGACACTCTGGGCTCGGACAGGAT[A>G]CCTTGGTTTTGTCCGCCGGACCGAGCTCACAGCGGCCACTGGAGGTACTTCTGCAACAAC-3'
Protein context (NP_775873.2, residues 1427-1447): AAQTLWARTG[Tyr1437Cys]LGFVRRTELT

ClinVar aggregate classification (germline): Uncertain significance (1 of 4 stars; one submission).

gnomAD v4.1: 1 of 1,614,108 alleles (0.000062%); highest among the groups gnomAD compares: Non-Finnish European, 0.000085%; no homozygotes.

Submission:

Dasa
Classification: Uncertain significance. Last evaluated: 2025-06-12. Review status: criteria provided, single submitter. Criteria: DASA Assertion Criteria. Collection method: clinical testing. Allele origin: germline.
Comment: NM_173602.3(DIP2B):c.4310A>G (p.Tyr1437Cys) is a missense variant that results in the substitution of tyrosine with cysteine. This variant is rare in population databases. The currently available literature and clinical evidence are not sufficient to establish a definitive association between this variant and the reported condition. Therefore, this variant is classified as a variant of uncertain significance.